The following is an entry in ClinVar:

NM_182961.4(SYNE1):c.18737G>A (p.Ser6246Asn)

Gene: SYNE1 (spectrin repeat containing nuclear envelope protein 1; minus strand). Cytogenetic location: 6q25.2.
Variant type: single nucleotide variant.
Coding change: c.18737G>A on transcript NM_182961.4 (MANE Select); coding-DNA position 18737, G replaced by A.
Protein change: p.Ser6246Asn; replaces serine 6246 with asparagine.
Molecular consequence: missense variant.
Genome position (GRCh38, 1-based): chr6:152,268,134, C>T on the plus strand (G>A on the coding strand, the complement: SYNE1 is on the minus strand). VCF-style: chr6-152268134-C-T. GRCh37 (hg19) VCF-style: chr6-152589269-C-T.
Other names: c.18524G>A (NM_033071.3); c.18524G>A, p.Ser6175Asn (NM_033071.5); short protein forms S6246N, S6175N.
Identifiers: ClinVar variation 1404823 (VCV001404823.9), dbSNP rs2092878526, ClinGen allele CA366091674.

ClinVar aggregate classification (germline): Uncertain significance. Review status: criteria provided, multiple submitters, no conflicts (2 of 4 stars). 3 submissions from 3 submitters: Uncertain significance (3). Last evaluated 2025-01-07.

Conditions:
Emery-Dreifuss muscular dystrophy 4, autosomal dominant (EDMD4). Also called: EMERY-DREIFUSS MUSCULAR DYSTROPHY 4 WITH VARIABLE FEATURES. Identifiers: Orphanet 261, MedGen C2751807, MONDO:0013071, OMIM 612998.
Autosomal recessive ataxia, Beauce type. Also called: SYNE1-Related Autosomal Recessive Cerebellar Ataxia; Spinocerebellar ataxia, autosomal recessive 8; ATAXIA, RECESSIVE, OF BEAUCE; SYNE1 Deficiency. Identifiers: Orphanet 88644, MedGen C1853116, MONDO:0012549, OMIM 610743.

Allele frequency attached by ClinVar (database versions not stated): TOPMed below 0.00001.
gnomAD v4.1: 2 of 1,614,162 alleles (0.00012%); highest among the groups gnomAD compares: Non-Finnish European, 0.00017%; no homozygotes.

Submissions (3):

GeneDx
Classification: Uncertain significance. Last evaluated: 2025-01-07. Review status: criteria provided, single submitter. Criteria: GeneDx Variant Classification Process June 2021. Collection method: clinical testing. Allele origin: germline. Affected: yes.
Comment: Not observed at significant frequency in large population cohorts (gnomAD); In silico analysis indicates that this missense variant does not alter protein structure/function; Has not been previously published as pathogenic or benign to our knowledge

Labcorp Genetics (formerly Invitae), Labcorp
Classification: Uncertain significance for Emery-Dreifuss muscular dystrophy 4, autosomal dominant; Autosomal recessive ataxia, Beauce type. Last evaluated: 2021-12-02. Review status: criteria provided, single submitter. Criteria: Invitae Variant Classification Sherloc (09022015). Collection method: clinical testing. Allele origin: germline.
Comment: In summary, the available evidence is currently insufficient to determine the role of this variant in disease. Therefore, it has been classified as a Variant of Uncertain Significance. Algorithms developed to predict the effect of missense changes on protein structure and function output the following: SIFT: "Tolerated"; PolyPhen-2: "Benign"; Align-GVGD: "Class C0". The asparagine amino acid residue is found in multiple mammalian species, which suggests that this missense change does not adversely affect protein function. This variant has not been reported in the literature in individuals affected with SYNE1-related conditions. This variant is not present in population databases (gnomAD no frequency). This sequence change replaces serine, which is neutral and polar, with asparagine, which is neutral and polar, at codon 6175 of the SYNE1 protein (p.Ser6175Asn).

Revvity Omics, Revvity
Classification: Uncertain significance. Last evaluated: 2019-04-11. Review status: criteria provided, single submitter. Criteria: ACMG Guidelines, 2015. Collection method: clinical testing. Allele origin: germline.